The following is an entry in ClinVar:

NM_006005.3(WFS1):c.854G>A (p.Arg285His)

Gene: WFS1 (wolframin ER transmembrane glycoprotein; plus strand). Cytogenetic location: 4p16.1.
Variant type: single nucleotide variant.
Coding change: c.854G>A on transcript NM_006005.3 (MANE Select); coding-DNA position 854, G replaced by A.
Protein change: p.Arg285His; replaces arginine 285 with histidine.
Molecular consequence: missense variant.
Genome position (GRCh38, 1-based): chr4:6,295,182, G>A. VCF-style: chr4-6295182-G-A. GRCh37 (hg19) VCF-style: chr4-6296909-G-A.
Other names: c.854G>A, p.Arg285His (NM_001145853.1); short protein forms R285H.
Identifiers: ClinVar variation 178587 (VCV000178587.61), dbSNP rs61735404, ClinGen allele CA295787.

ClinVar aggregate classification (germline): Benign/Likely benign. Review status: criteria provided, multiple submitters, no conflicts (2 of 4 stars). 9 submissions from 8 submitters: Benign (5); Likely benign (4). Last evaluated 2026-01-19.

Conditions:
WFS1-Related Spectrum Disorders.
Cataract 41 (CTRCT41). Also called: CATARACT 41, CONGENITAL NUCLEAR TYPE. Identifiers: Orphanet 91492, Orphanet 98991, Orphanet 98992, Orphanet 98995, MedGen C3805412, MONDO:0007287, OMIM 116400.
Type 2 diabetes mellitus. Also called: Type II diabetes mellitus. Identifiers: MedGen C0011860, MeSH D003924, MONDO:0005148, OMIM 125853, HP:0005978.
Wolfram syndrome 1 (WFS1). Identifiers: Orphanet 3463, MedGen C4551693, MONDO:0009101, OMIM 222300.
Wolfram-like syndrome. Also called: HEARING LOSS, PROGRESSIVE, WITH OPTIC ATROPHY AND/OR IMPAIRED GLUCOSE REGULATION. Identifiers: Orphanet 411590, MedGen C3280358, MONDO:0013673, OMIM 614296.
Autosomal dominant nonsyndromic hearing loss 6 (LFSNHL). Also called: DEAFNESS, AUTOSOMAL DOMINANT 6; DEAFNESS, AUTOSOMAL DOMINANT 14; DEAFNESS, AUTOSOMAL DOMINANT 38; Autosomal dominant nonsyndromic deafness 6. Identifiers: Orphanet 90635, MedGen C1833021, MONDO:0010963, OMIM 600965.

Allele frequency attached by ClinVar (database versions not stated): gnomAD exomes 0.00023; ExAC 0.00062; gnomAD 0.00191 and 0.00205; ESP Exome Variant Server 0.00238; TOPMed 0.00238; 1000 Genomes Project 0.00319; 1000 Genomes Project 30x 0.00375.

Submissions (9):

Labcorp Genetics (formerly Invitae), Labcorp
Classification: Benign. Last evaluated: 2026-01-19. Review status: criteria provided, single submitter. Criteria: Invitae Variant Classification Sherloc (09022015). Collection method: clinical testing. Allele origin: germline.

Blueprint Genetics
Classification: Likely benign. Last evaluated: 2024-10-10. Review status: criteria provided, single submitter. Criteria: ACMG Guidelines, 2015. Collection method: clinical testing. Allele origin: germline.

Fulgent Genetics
Classification: Likely benign for Cataract 41; Type 2 diabetes mellitus; Wolfram syndrome 1; Autosomal dominant nonsyndromic hearing loss 6; Wolfram-like syndrome. Last evaluated: 2021-07-13. Review status: criteria provided, single submitter. Criteria: ACMG Guidelines, 2015. Collection method: clinical testing. Allele origin: unknown.

CeGaT Center for Human Genetics Tuebingen
Classification: Likely benign. Last evaluated: 2020-04-01. Review status: criteria provided, single submitter. Criteria: CeGaT Center For Human Genetics Tuebingen Variant Classification Criteria Version 2. Collection method: clinical testing. Allele origin: germline. Affected: yes. Observed: 1 variant allele.

Illumina Laboratory Services, Illumina
Classification: Likely benign for WFS1-Related Spectrum Disorders. Last evaluated: 2018-01-12. Review status: criteria provided, single submitter. Criteria: ICSL Variant Classification Criteria 13 December 2019. Collection method: clinical testing. Allele origin: germline.
Comment: This variant was observed in the ICSL laboratory as part of a predisposition screen in an ostensibly healthy population. It had not been previously curated by ICSL or reported in the Human Gene Mutation Database (HGMD: prior to June 1st, 2018), and was therefore a candidate for classification through an automated scoring system. Utilizing variant allele frequency, disease prevalence and penetrance estimates, and inheritance mode, an automated score was calculated to assess if this variant is too frequent to cause the disease. Based on the score and internal cut-off values, a variant classified as likely benign is not then subjected to further curation. The score for this variant resulted in a classification of likely benign for this disease.

Illumina Laboratory Services, Illumina
Classification: Benign for Autosomal dominant nonsyndromic hearing loss 6. Last evaluated: 2018-01-12. Review status: criteria provided, single submitter. Criteria: ICSL Variant Classification Criteria 13 December 2019. Collection method: clinical testing. Allele origin: germline.
Comment: This variant was observed in the ICSL laboratory as part of a predisposition screen in an ostensibly healthy population. It had not been previously curated by ICSL or reported in the Human Gene Mutation Database (HGMD: prior to June 1st, 2018), and was therefore a candidate for classification through an automated scoring system. Utilizing variant allele frequency, disease prevalence and penetrance estimates, and inheritance mode, an automated score was calculated to assess if this variant is too frequent to cause the disease. Based on the score and internal cut-off values, a variant classified as benign is not then subjected to further curation. The score for this variant resulted in a classification of benign for this disease.

GeneDx
Classification: Benign. Last evaluated: 2015-02-10. Review status: criteria provided, single submitter. Criteria: GeneDx Variant Classification (06012015). Collection method: clinical testing. Allele origin: germline. Affected: yes.
Comment: This variant is considered likely benign or benign based on one or more of the following criteria: it is a conservative change, it occurs at a poorly conserved position in the protein, it is predicted to be benign by multiple in silico algorithms, and/or has population frequency not consistent with disease.

Laboratory for Molecular Medicine, Mass General Brigham Personalized Medicine
Classification: Benign. Last evaluated: 2012-04-30. Review status: criteria provided, single submitter. Criteria: LMM Criteria. Collection method: clinical testing. Allele origin: germline. Observed: 3 variant alleles.
Comment: Arg285His in Exon 07 of WFS1: This variant is not expected to have clinical sign ificance because it has been identified in 0.7% (27/3738) of African American ch romosomes from a broad population by the NHLBI Exome Sequencing Project (dbSNP rs61735404).

PreventionGenetics, part of Exact Sciences
Classification: Benign. Review status: criteria provided, single submitter. Criteria: ACMG Guidelines, 2015. Collection method: clinical testing. Allele origin: germline.